The following is an entry in ClinVar:

ClinVar aggregate classification (germline): Uncertain significance (1 of 4 stars; one submission).

Conditions:
Intellectual developmental disorder with autism and speech delay. Also called: Autism 5; AUTISM-RELATED SPEECH DELAY; PHRASE SPEECH DELAY, AUTISM-RELATED; AUTS5; Autism, susceptibility to, 5. Identifiers: MedGen C1853755, MONDO:0011627, OMIM 606053.

gnomAD v4.1: 1 of 1,614,186 alleles (0.000062%); highest among the groups gnomAD compares: Non-Finnish European, 0.000085%; no homozygotes.

Submission:

Pittsburgh Clinical Genomics Laboratory, University of Pittsburgh Medical Center
Classification: Uncertain significance for Intellectual developmental disorder with autism and speech delay. Last evaluated: 2024-04-15. Review status: criteria provided, single submitter. Criteria: ACMG Guidelines, 2015. Collection method: clinical testing. Allele origin: germline. Inheritance: Autosomal dominant inheritance. Affected: yes.
Comment: This sequence variant is a single nucleotide substitution (G>C) at position 265 of the coding sequence of the TBR1 gene that results in a glycine to arginine amino acid change at residue 89 of the T-box brain transcription factor 1 protein. This variant is absent from ClinVar and has not been observed in individuals affected by a TBR1-related disorder in the published literature, to our knowledge. This variant is present in 1 of 628764 alleles (0.00016%) in the gnomAD v4.0.0 population dataset. Multiple bioinformatic tools predict that this glycine to arginine amino acid change would be damaging, and the Gly89 residue at this position is highly conserved across the vertebrate species examined. Studies examining the functional consequence of this variant have not been published, to our knowledge. At this time, there is insufficient evidence to determine if this variant is pathogenic or benign. Therefore, we consider this a variant of uncertain significance. ACMG Criteria: PM2, PP3

NM_006593.4(TBR1):c.265G>C (p.Gly89Arg)

Gene: TBR1 (T-box brain transcription factor 1; plus strand). Cytogenetic location: 2q24.2.
Variant type: single nucleotide variant.
Coding change: c.265G>C on transcript NM_006593.4 (MANE Select); coding-DNA position 265, G replaced by C.
Protein change: p.Gly89Arg; replaces glycine 89 with arginine.
Molecular consequence: missense variant.
Genome position (GRCh38, 1-based): chr2:161,416,675, G>C. VCF-style: chr2-161416675-G-C. GRCh37 (hg19) VCF-style: chr2-162273186-G-C.
Other names: short protein forms G89R.
Identifiers: ClinVar variation 3376467 (VCV003376467.1).